The following is an entry in ClinVar:

NM_001379110.1(SLC9A6):c.1042A>C (p.Asn348His)

Gene: SLC9A6 (solute carrier family 9 member A6; plus strand). Cytogenetic location: Xq26.3.
Variant type: single nucleotide variant.
Coding change: c.1042A>C on transcript NM_001379110.1 (MANE Select); coding-DNA position 1042, A replaced by C.
Protein change: p.Asn348His; replaces asparagine 348 with histidine.
Molecular consequence: missense variant.
Genome position (GRCh38, 1-based): chrX:136,013,399, A>C. VCF-style: chrX-136013399-A-C. GRCh37 (hg19) VCF-style: chrX-135095558-A-C.
Other names: c.1198A>C, p.Asn400His (NM_001042537.2); c.1042A>C, p.Asn348His (NM_001177651.2, NM_001400909.1, NM_001400910.1 and 2 more transcripts); c.946A>C, p.Asn316His (NM_001330652.2, NM_001400913.1); c.1102A>C, p.Asn368His (NM_006359.3); short protein forms N316H, N348H, N368H, N400H.
Identifiers: ClinVar variation 2582125 (VCV002582125.1), dbSNP rs2521313706, ClinGen allele CA414752035.

ClinVar aggregate classification (germline): Uncertain significance (1 of 4 stars; one submission).

Submission:

GeneDx
Classification: Uncertain significance. Last evaluated: 2023-03-23. Review status: criteria provided, single submitter. Criteria: GeneDx Variant Classification Process June 2021. Collection method: clinical testing. Allele origin: germline. Affected: yes.
Comment: Not observed at significant frequency in large population cohorts (gnomAD); In silico analysis supports that this missense variant has a deleterious effect on protein structure/function; Has not been previously published as pathogenic or benign to our knowledge